The following is an entry in ClinVar:

NM_006389.5(HYOU1):c.2331C>T (p.Ala777=)

Gene: HYOU1 (hypoxia up-regulated 1; minus strand). Cytogenetic location: 11q23.3.
Variant type: single nucleotide variant.
Coding change: c.2331C>T on transcript NM_006389.5 (MANE Select); coding-DNA position 2331, C replaced by T.
Protein change: p.Ala777=; no amino-acid change (alanine 777 retained).
Molecular consequence: synonymous variant.
Genome position (GRCh38, 1-based): chr11:119,048,293, G>A on the plus strand (C>T on the coding strand, the complement: HYOU1 is on the minus strand). VCF-style: chr11-119048293-G-A. GRCh37 (hg19) VCF-style: chr11-118919005-G-A.
Other names: c.2331C>T, p.Ala777= (NM_001130991.3); c.2331C>T (NM_006389.4).
Identifiers: ClinVar variation 752232 (VCV000752232.11), dbSNP rs202152542, ClinGen allele CA229618576.

ClinVar aggregate classification (germline): Likely benign. Review status: criteria provided, single submitter (1 of 4 stars). 2 submissions from 2 submitters: Likely benign (1). 1 of the submissions does not count toward it. Last evaluated 2025-03-07.

Conditions:
HYOU1-related disorder. Also called: HYOU1-related condition.

Allele frequency attached by ClinVar (database versions not stated): gnomAD 0.00007 and 0.00011; ESP Exome Variant Server 0.00008; gnomAD exomes 0.00010; ExAC 0.00012; TOPMed 0.00012; 1000 Genomes Project 30x 0.00047; 1000 Genomes Project 0.00060.
gnomAD v4.1: 140 of 1,611,336 alleles (0.0087%); highest among the groups gnomAD compares: East Asian, 0.28%; no homozygotes.

Submissions (2):

Labcorp Genetics (formerly Invitae), Labcorp
Classification: Likely benign. Last evaluated: 2025-03-07. Review status: criteria provided, single submitter. Criteria: Invitae Variant Classification Sherloc (09022015). Collection method: clinical testing. Allele origin: germline.

PreventionGenetics, part of Exact Sciences
Classification: Likely benign for HYOU1-related condition. Last evaluated: 2019-03-18. Review status: no assertion criteria provided. Collection method: clinical testing. Allele origin: germline. Not counted in ClinVar's aggregate classification.
Comment: This variant is classified as likely benign based on ACMG/AMP sequence variant interpretation guidelines (Richards et al. 2015 PMID: 25741868, with internal and published modifications).